The following is an entry in ClinVar:

NM_017617.5(NOTCH1):c.3115G>A (p.Gly1039Ser)

Gene: NOTCH1 (notch receptor 1; minus strand). Cytogenetic location: 9q34.3.
Variant type: single nucleotide variant.
Coding change: c.3115G>A on transcript NM_017617.5 (MANE Select); coding-DNA position 3115, G replaced by A.
Protein change: p.Gly1039Ser; replaces glycine 1039 with serine.
Molecular consequence: missense variant.
Genome position (GRCh38, 1-based): chr9:136,508,926, C>T on the plus strand (G>A on the coding strand, the complement: NOTCH1 is on the minus strand). VCF-style: chr9-136508926-C-T. GRCh37 (hg19) VCF-style: chr9-139403378-C-T.
Other names: c.3115G>A, p.Gly1039Ser (LRG_1122t1); c.3115G>A (NM_017617.4); short protein forms G1039S.
Identifiers: ClinVar variation 264180 (VCV000264180.67), dbSNP rs200207651, ClinGen allele CA5341058.

ClinVar aggregate classification (germline): Benign/Likely benign. Review status: criteria provided, multiple submitters, no conflicts (2 of 4 stars). 10 submissions from 9 submitters: Benign (5); Likely benign (4). 1 of the submissions does not count toward it. Last evaluated 2026-07-01.

Conditions:
NOTCH1-related disorder. Also called: NOTCH1-related disorders; NOTCH1-related condition.
Adams-Oliver syndrome 5 (AOS5). Identifiers: Orphanet 974, MedGen C4014970, MONDO:0014459, OMIM 616028.
Familial thoracic aortic aneurysm and aortic dissection (TAAD). Also called: Thoracic aortic aneurysms and dissections. Identifiers: Orphanet 91387, MedGen C4707243, MONDO:0019625.
Aortic valve disease 1 (AOVD1). Identifiers: MedGen C3887892, MONDO:0024523, OMIM 109730.

Allele frequency attached by ClinVar (database versions not stated): TOPMed 0.00023; ESP Exome Variant Server 0.00033; ExAC 0.00035; 1000 Genomes Project 0.00060; gnomAD 0.00061 and 0.00063; 1000 Genomes Project 30x 0.00062; gnomAD exomes 0.00083.
gnomAD v4.1: 737 of 1,549,454 alleles (0.048%); highest among the groups gnomAD compares: Non-Finnish European, 0.034%; no homozygotes.

Submissions (10):

CeGaT Center for Human Genetics Tuebingen
Classification: Benign. Last evaluated: 2026-07-01. Review status: criteria provided, single submitter. Criteria: CeGaT Center For Human Genetics Tuebingen Variant Classification Criteria Version 2. Collection method: clinical testing. Allele origin: germline. Affected: yes. Observed: 2 variant alleles.
Comment: NOTCH1: BS1, BS2

Labcorp Genetics (formerly Invitae), Labcorp
Classification: Benign for Adams-Oliver syndrome 5. Last evaluated: 2026-01-27. Review status: criteria provided, single submitter. Criteria: Invitae Variant Classification Sherloc (09022015). Collection method: clinical testing. Allele origin: germline.

Laboratory of Genetics, Children's Clinical University Hospital Latvia
Classification: Likely benign. Last evaluated: 2025-02-16. Review status: criteria provided, single submitter. Criteria: ACMG Guidelines, 2015. Collection method: clinical testing. Allele origin: germline. Affected: yes.

Blueprint Genetics
Classification: Likely benign. Last evaluated: 2024-10-14. Review status: criteria provided, single submitter. Criteria: ACMG Guidelines, 2015. Collection method: clinical testing. Allele origin: germline.

Women's Health and Genetics/Laboratory Corporation of America, LabCorp
Classification: Benign. Last evaluated: 2023-08-14. Review status: criteria provided, single submitter. Criteria: LabCorp Variant Classification Summary - May 2015. Collection method: clinical testing. Allele origin: germline.
Comment: Variant summary: NOTCH1 c.3115G>A (p.Gly1039Ser) results in a non-conservative amino acid change located in the EGF-like domain (IPR000742) of the encoded protein sequence. Three of five in-silico tools predict a benign effect of the variant on protein function. The variant allele was found at a frequency of 0.00083 in 154310 control chromosomes (gnomAD). The observed variant frequency is approximately 1300 fold of the estimated maximal expected allele frequency for a pathogenic variant in NOTCH1 causing Adams-Oliver Syndrome 5 (6.3e-07), strongly suggesting that the variant is benign. To our knowledge, no occurrence of c.3115G>A in individuals affected with Adams-Oliver Syndrome 5 and no experimental evidence demonstrating its impact on protein function have been reported. Four ClinVar submitters have assessed the variant since 2014: two classified the variant as likely benign and two as benign. Based on the evidence outlined above, the variant was classified as benign.

Genome-Nilou Lab
Classification: Benign for Adams-Oliver syndrome 5. Last evaluated: 2022-03-15. Review status: criteria provided, single submitter. Criteria: ACMG Guidelines, 2015. Collection method: clinical testing. Allele origin: germline. Affected: no.

Genome-Nilou Lab
Classification: Benign for Aortic valve disease 1. Last evaluated: 2022-03-15. Review status: criteria provided, single submitter. Criteria: ACMG Guidelines, 2015. Collection method: clinical testing. Allele origin: germline. Affected: no.

GeneDx
Classification: Likely benign. Last evaluated: 2021-02-02. Review status: criteria provided, single submitter. Criteria: GeneDx Variant Classification Process June 2021. Collection method: clinical testing. Allele origin: germline. Affected: yes.

Ambry Genetics
Classification: Likely benign for Familial thoracic aortic aneurysm and aortic dissection. Last evaluated: 2017-10-13. Review status: criteria provided, single submitter. Criteria: Ambry Variant Classification Scheme 2023. Collection method: clinical testing. Allele origin: germline.

PreventionGenetics, part of Exact Sciences
Classification: Benign for NOTCH1-related condition. Last evaluated: 2024-02-07. Review status: no assertion criteria provided. Collection method: clinical testing. Allele origin: germline. Not counted in ClinVar's aggregate classification.
Comment: This variant is classified as benign based on ACMG/AMP sequence variant interpretation guidelines (Richards et al. 2015 PMID: 25741868, with internal and published modifications).